The following is an entry in ClinVar:

NM_020806.5(GPHN):c.770_771del (p.His257fs)

Gene: GPHN (gephyrin; plus strand). Cytogenetic location: 14q23.3.
Variant type: Microsatellite.
Coding change: c.770_771del on transcript NM_020806.5 (MANE Select); coding-DNA positions 770 to 771, 2 bases deleted (AC; older notation c.770_771delAC).
Protein change: p.His257fs; shifts the reading frame from histidine 257.
Molecular consequence: frameshift variant. On other transcripts: intron variant (7).
Genome position (GRCh38, 1-based): chr14:66,924,234-66,924,235, AC deleted; deleting any 2 consecutive bases within chr14:66,924,231-66,924,235 gives the same sequence; the c. name uses the placement nearest the transcript's 3' end. VCF-style (leftmost placement, unchanged base first): chr14-66924230-GCA-G. GRCh37 (hg19) VCF-style: chr14-67390947-GCA-G.
Other names: c.768+1296_768+1297del (NM_001377514.1, NM_001377519.1); c.729+1296_729+1297del (NM_001377515.1, NM_001377516.1, NM_001377518.1 and 2 more transcripts); short protein forms H257fs.
Identifiers: ClinVar variation 2014914 (VCV002014914.4), dbSNP rs2549619766, ClinGen allele CA2580613710.

ClinVar aggregate classification (germline): Pathogenic (1 of 4 stars; one submission).

Conditions:
Sulfite oxidase deficiency due to molybdenum cofactor deficiency type C. Also called: Molybdenum cofactor deficiency, complementation group C; Molybdenum cofactor deficiency C. Identifiers: Orphanet 308400, Orphanet 833, MedGen C1854990, MONDO:0014212, OMIM 615501.

Submission:

Labcorp Genetics (formerly Invitae), Labcorp
Classification: Pathogenic for Sulfite oxidase deficiency due to molybdenum cofactor deficiency type C. Last evaluated: 2024-10-23. Review status: criteria provided, single submitter. Criteria: Invitae Variant Classification Sherloc (09022015). Collection method: clinical testing. Allele origin: germline.
Comment: This sequence change creates a premature translational stop signal (p.His257Argfs*2) in the GPHN gene. It is expected to result in an absent or disrupted protein product. Loss-of-function variants in GPHN are known to be pathogenic (PMID: 11095995, 23184456, 23393157, 24561070, 26613940). This variant is not present in population databases (gnomAD no frequency). This variant has not been reported in the literature in individuals affected with GPHN-related conditions. For these reasons, this variant has been classified as Pathogenic.

Literature cited by the submitters: PubMed 11095995; PubMed 23184456; PubMed 23393157; PubMed 24561070; PubMed 26613940.